The following is an entry in ClinVar:

NM_000051.4(ATM):c.744A>C (p.Arg248=)

Gene: ATM (ATM serine/threonine kinase; plus strand). Cytogenetic location: 11q22.3.
Variant type: single nucleotide variant.
Coding change: c.744A>C on transcript NM_000051.4 (MANE Select); coding-DNA position 744, A replaced by C.
Protein change: p.Arg248=; no amino-acid change (arginine 248 retained).
Molecular consequence: synonymous variant.
Genome position (GRCh38, 1-based): chr11:108,244,869, A>C. VCF-style: chr11-108244869-A-C. GRCh37 (hg19) VCF-style: chr11-108115596-A-C.
Other names: c.744A>C, p.Arg248= (NM_001351834.2).
Identifiers: ClinVar variation 827052 (VCV000827052.13), dbSNP rs1591503905, ClinGen allele CA476744681.
Genomic context (GRCh38, chr11:108,244,869, plus strand): 5'-TCTAAATCATATCTTAGCAGCTCTTACTATCTTCCTCAAGACTTTGGCTGTCAACTTTCG[A>C]ATTCGAGTGTGTGAATTAGGAGATGAAATTCTTCCCACTTTGCTTTATATTTGGACTCAA-3'
Protein context (NP_000042.3, residues 238-258): IFLKTLAVNF[Arg248=]IRVCELGDEI

ClinVar aggregate classification (germline): Benign/Likely benign. Review status: criteria provided, multiple submitters, no conflicts (2 of 4 stars). 3 submissions from 3 submitters: Benign (1); Likely benign (2). Last evaluated 2024-04-23.

Conditions:
Familial cancer of breast. Also called: hereditary breast carcinoma; BREAST CANCER, FAMILIAL; Hereditary breast cancer. Identifiers: Orphanet 227535, MedGen C0346153, MONDO:0016419, OMIM 114480. Disease mechanism: loss of function.
Ataxia-telangiectasia syndrome (AT). Also called: ATAXIA-TELANGIECTASIA, COMPLEMENTATION GROUP A; ATAXIA-TELANGIECTASIA, FRESNO VARIANT; Ataxia-telangiectasia, complementation group E; Ataxia telangiectasia (A-T); LOUIS-BAR SYNDROME; Cerebello-oculocutaneous telangiectasia. Identifiers: Orphanet 100, MedGen C0004135, MONDO:0008840, OMIM 208900.
Hereditary cancer-predisposing syndrome. Also called: Neoplastic Syndromes, Hereditary; Hereditary Cancer Syndrome; Hereditary neoplastic syndrome; Tumor predisposition. Identifiers: Orphanet 140162, MedGen C0027672, MeSH D009386, MONDO:0015356.

Submissions (3):

Myriad Genetics, Inc.
Classification: Benign for Familial cancer of breast. Last evaluated: 2024-04-23. Review status: criteria provided, single submitter. Criteria: Myriad Autosomal Dominant, Autosomal Recessive and X-Linked Classification Criteria (2023). Collection method: clinical testing. Allele origin: unknown.
Comment: This variant is considered benign. This variant is a silent/synonymous amino acid change and it is not expected to impact splicing.

Labcorp Genetics (formerly Invitae), Labcorp
Classification: Likely benign for Ataxia-telangiectasia syndrome. Last evaluated: 2021-09-10. Review status: criteria provided, single submitter. Criteria: Invitae Variant Classification Sherloc (09022015). Collection method: clinical testing. Allele origin: germline.

Ambry Genetics
Classification: Likely benign for Hereditary cancer-predisposing syndrome. Last evaluated: 2019-05-07. Review status: criteria provided, single submitter. Criteria: Ambry Variant Classification Scheme 2023. Collection method: clinical testing. Allele origin: germline.